The following is an entry in ClinVar:

NM_021830.5(TWNK):c.*419A>T

Gene: TWNK (twinkle mtDNA helicase; plus strand). Cytogenetic location: 10q24.31.
Variant type: single nucleotide variant.
Coding change: c.*419A>T on transcript NM_021830.5 (MANE Select); 419 bases downstream of the stop codon, A replaced by T.
Molecular consequence: 3 prime UTR variant. On other transcripts: non-coding transcript variant (5).
Genome position (GRCh38, 1-based): chr10:100,993,929, A>T. VCF-style: chr10-100993929-A-T. GRCh37 (hg19) VCF-style: chr10-102753686-A-T.
Other names: c.*769A>T (NM_001163812.2, NM_001163814.2); c.*419A>T (NM_001163813.2, NM_001368275.1).
Identifiers: ClinVar variation 298509 (VCV000298509.5), dbSNP rs187553791, ClinGen allele CA10634375.
Genomic context (GRCh38, chr10:100,993,929, plus strand): 5'-TAGTGTAGATAAGTGGTCTGAAAAGGTGTCTCTGAGCCGAGGGCATGTGAGCTGGGGCCT[A>T]AACAACTAGAAGGAGAGAGCCACGTGAACATCCGGCGAAGGGGACCCAGGCAGAGAGAAA-3'

ClinVar aggregate classification (germline): Conflicting classifications of pathogenicity. Review status: criteria provided, conflicting classifications (1 of 4 stars). 4 submissions from 1 submitter: Uncertain significance (1); Benign (2); Likely benign (1). Last evaluated 2018-01-13.

Conditions:
Sensory ataxic neuropathy, dysarthria, and ophthalmoparesis (SANDO). Also called: SENSORY ATAXIC NEUROPATHY WITH MITOCHONDRIAL DNA DELETIONS, AUTOSOMAL RECESSIVE; Ataxia Neuropathy Spectrum (ANS); Sensory ataxic neuropathy-dysarthria-ophthalmoparesis syndrome; Epilepsy, progressive myoclonic, type 5. Identifiers: Orphanet 70595, MedGen C1843851, MONDO:0011835, OMIM 607459.
Progressive external ophthalmoplegia with mitochondrial DNA deletions, autosomal dominant 3. Also called: PROGRESSIVE EXTERNAL OPHTHALMOPLEGIA, AUTOSOMAL DOMINANT 3. Identifiers: MedGen C1836439, MONDO:0012241, OMIM 609286.
Autosomal recessive cerebellar ataxia. Also called: Spinocerebellar ataxia, autosomal recessive; Spinocerebellar Ataxia, Recessive. Identifiers: Orphanet 1172, MedGen C5575375, MONDO:0015244.
Infantile onset spinocerebellar ataxia (MTDPS7). Also called: OHAHA SYNDROME; SPINOCEREBELLAR ATAXIA, INFANTILE, WITH SENSORY NEUROPATHY; Mitochondrial DNA depletion syndrome 7 (hepatocerebral type); OPHTHALMOPLEGIA, HYPOTONIA, ATAXIA, HYPOACUSIS, AND ATHETOSIS. Identifiers: Orphanet 1186, MedGen C1849096, MONDO:0010060, OMIM 271245.

Allele frequency attached by ClinVar (database versions not stated): gnomAD exomes 0.00144; 1000 Genomes Project 30x 0.00172; 1000 Genomes Project 0.00180; TOPMed 0.00211; gnomAD 0.00220 and 0.00223.
gnomAD v4.1: 405 of 203,512 alleles (0.2%); highest among the groups gnomAD compares: Non-Finnish European, 0.3%; no homozygotes.

Submissions (4):

Illumina Laboratory Services, Illumina
Classification: Benign for Progressive external ophthalmoplegia with mitochondrial DNA deletions, autosomal dominant 3. Last evaluated: 2018-01-13. Review status: criteria provided, single submitter. Criteria: ICSL Variant Classification Criteria 13 December 2019. Collection method: clinical testing. Allele origin: germline.
Comment: This variant was observed in the ICSL laboratory as part of a predisposition screen in an ostensibly healthy population. It had not been previously curated by ICSL or reported in the Human Gene Mutation Database (HGMD: prior to June 1st, 2018), and was therefore a candidate for classification through an automated scoring system. Utilizing variant allele frequency, disease prevalence and penetrance estimates, and inheritance mode, an automated score was calculated to assess if this variant is too frequent to cause the disease. Based on the score and internal cut-off values, a variant classified as benign is not then subjected to further curation. The score for this variant resulted in a classification of benign for this disease.

Illumina Laboratory Services, Illumina
Classification: Benign for Sensory ataxic neuropathy-dysarthria-ophthalmoparesis syndrome. Last evaluated: 2018-01-13. Review status: criteria provided, single submitter. Criteria: ICSL Variant Classification Criteria 13 December 2019. Collection method: clinical testing. Allele origin: germline.
Comment: the same text as in the submission from Illumina Laboratory Services, Illumina above.

Illumina Laboratory Services, Illumina
Classification: Uncertain significance for Autosomal recessive cerebellar ataxia. Last evaluated: 2018-01-13. Review status: criteria provided, single submitter. Criteria: ICSL Variant Classification Criteria 13 December 2019. Collection method: clinical testing. Allele origin: germline.

Illumina Laboratory Services, Illumina
Classification: Likely benign for Infantile onset spinocerebellar ataxia. Last evaluated: 2018-01-13. Review status: criteria provided, single submitter. Criteria: ICSL Variant Classification Criteria 13 December 2019. Collection method: clinical testing. Allele origin: germline.
Comment: This variant was observed in the ICSL laboratory as part of a predisposition screen in an ostensibly healthy population. It had not been previously curated by ICSL or reported in the Human Gene Mutation Database (HGMD: prior to June 1st, 2018), and was therefore a candidate for classification through an automated scoring system. Utilizing variant allele frequency, disease prevalence and penetrance estimates, and inheritance mode, an automated score was calculated to assess if this variant is too frequent to cause the disease. Based on the score and internal cut-off values, a variant classified as likely benign is not then subjected to further curation. The score for this variant resulted in a classification of likely benign for this disease.